The following is an entry in ClinVar:

ClinVar aggregate classification (germline): Pathogenic/Likely pathogenic. Review status: criteria provided, multiple submitters, no conflicts (2 of 4 stars). 2 submissions from 2 submitters: Pathogenic (1); Likely pathogenic (1). Last evaluated 2024-12-13.

Conditions:
Usher syndrome type 2A. Also called: USHER SYNDROME, TYPE IIA; RETINAL DISEASE IN USHER SYNDROME TYPE IIA, MODIFIER OF. Identifiers: Orphanet 231178, Orphanet 886, MedGen C1848634, MONDO:0010169, OMIM 276901.

Submissions (2):

Natera, Inc.
Classification: Likely pathogenic for Usher syndrome type 2A. Last evaluated: 2024-12-13. Review status: criteria provided, single submitter. Criteria: Natera Variant Classification Schema (03/2026). Collection method: clinical testing. Allele origin: germline.
Comment: The c.1757_1758insATA variant in USH2A is an in-frame insertion. This variant is expected to result in nonsense mediated decay, truncation, or a dysfunctional protein product. This variant is rare in the general population with a frequency below the threshold expected for the associated phenotype(s). Given the available evidence, this variant is classified as Likely Pathogenic.

Labcorp Genetics (formerly Invitae), Labcorp
Classification: Pathogenic. Last evaluated: 2021-01-15. Review status: criteria provided, single submitter. Criteria: Invitae Variant Classification Sherloc (09022015). Collection method: clinical testing. Allele origin: germline.
Comment: For these reasons, this variant has been classified as Pathogenic. This variant has not been reported in the literature in individuals with USH2A-related conditions. This variant is not present in population databases (ExAC no frequency). This sequence change creates a premature translational stop signal (p.Tyr586*) in the USH2A gene. It is expected to result in an absent or disrupted protein product. Loss-of-function variants in USH2A are known to be pathogenic (PMID: 10729113, 10909849, 20507924, 25649381).

Literature cited by the submitters: PubMed 10729113 (cited by Labcorp Genetics (formerly Invitae), Labcorp); PubMed 10909849 (cited by Labcorp Genetics (formerly Invitae), Labcorp); PubMed 20507924 (cited by Labcorp Genetics (formerly Invitae), Labcorp); PubMed 25649381 (cited by Labcorp Genetics (formerly Invitae), Labcorp).

NM_206933.4(USH2A):c.1757_1758insATA (p.Tyr586Ter)

Gene: USH2A (usherin; minus strand). Cytogenetic location: 1q41.
Variant type: Insertion.
Coding change: c.1757_1758insATA on transcript NM_206933.4 (MANE Select); coding-DNA positions 1757 to 1758, ATA inserted.
Protein change: p.Tyr586Ter; replaces tyrosine 586 with a stop codon.
Molecular consequence: nonsense.
Genome position: GRCh38 VCF-style: chr1-216292257-G-GTAT. GRCh37 (hg19) VCF-style: chr1-216465599-G-GTAT.
Other names: c.1757_1758insATA (NM_206933.2); c.1757_1758insATA, p.Tyr586Ter (NM_007123.6); short protein forms Y586*.
Identifiers: ClinVar variation 1445103 (VCV001445103.7), dbSNP rs2102610892, ClinGen allele CA2573132642.